The following is an entry in ClinVar:

NM_016562.4(TLR7):c.2038C>A (p.Leu680Ile)

Gene: TLR7 (toll like receptor 7; plus strand). Cytogenetic location: Xp22.2.
Variant type: single nucleotide variant.
Coding change: c.2038C>A on transcript NM_016562.4 (MANE Select); coding-DNA position 2038, C replaced by A.
Protein change: p.Leu680Ile; replaces leucine 680 with isoleucine.
Molecular consequence: missense variant.
Genome position (GRCh38, 1-based): chrX:12,887,546, C>A. VCF-style: chrX-12887546-C-A. GRCh37 (hg19) VCF-style: chrX-12905665-C-A.
Other names: short protein forms L680I.
Identifiers: ClinVar variation 1997482 (VCV001997482.4), dbSNP rs374819621, ClinGen allele CA10350055.

ClinVar aggregate classification (germline): Uncertain significance (1 of 4 stars; one submission).

Allele frequency attached by ClinVar (database versions not stated): ExAC 0.00001; TOPMed 0.00002; gnomAD 0.00004; ESP Exome Variant Server 0.00009.
gnomAD v4.1: 4 of 1,209,627 alleles (0.00033%); highest among the groups gnomAD compares: African/African-American, 0.007%; no homozygotes.

Submission:

Labcorp Genetics (formerly Invitae), Labcorp
Classification: Uncertain significance. Last evaluated: 2022-08-23. Review status: criteria provided, single submitter. Criteria: Invitae Variant Classification Sherloc (09022015). Collection method: clinical testing. Allele origin: germline.
Comment: In summary, the available evidence is currently insufficient to determine the role of this variant in disease. Therefore, it has been classified as a Variant of Uncertain Significance. Algorithms developed to predict the effect of missense changes on protein structure and function are either unavailable or do not agree on the potential impact of this missense change (SIFT: "Deleterious"; PolyPhen-2: "Possibly Damaging"; Align-GVGD: "Class C0"). This variant has not been reported in the literature in individuals affected with TLR7-related conditions. This variant is present in population databases (rs374819621, gnomAD 0.02%). This sequence change replaces leucine, which is neutral and non-polar, with isoleucine, which is neutral and non-polar, at codon 680 of the TLR7 protein (p.Leu680Ile).